The following is an entry in ClinVar:

NM_133433.4(NIPBL):c.3659C>T (p.Ala1220Val)

Gene: NIPBL (NIPBL cohesin loading factor; plus strand). Cytogenetic location: 5p13.2.
Variant type: single nucleotide variant.
Coding change: c.3659C>T on transcript NM_133433.4 (MANE Select); coding-DNA position 3659, C replaced by T.
Protein change: p.Ala1220Val; replaces alanine 1220 with valine.
Molecular consequence: missense variant.
Genome position (GRCh38, 1-based): chr5:37,001,073, C>T. VCF-style: chr5-37001073-C-T. GRCh37 (hg19) VCF-style: chr5-37001175-C-T.
Other names: c.3659C>T (NM_133433.3); c.3659C>T, p.Ala1220Val (NM_015384.5); short protein forms A1220V.
Identifiers: ClinVar variation 595532 (VCV000595532.6), dbSNP rs1360432003, ClinGen allele CA359519586.
Genomic context (GRCh38, chr5:37,001,073, plus strand): 5'-AGAGATTCACAGCCTCAATAGAGAATATTTTGGATAATTTGGAAGATATGGATTTTACTG[C>T]GTTTGGTAAAATCAACTTAAAATACATTTACACATACTCTAAGTGTCTTAACTGTATCCT-3'
Protein context (NP_597677.2, residues 1210-1230): LDNLEDMDFT[Ala1220Val]FGDDDEIPQE

ClinVar aggregate classification (germline): Uncertain significance. Review status: criteria provided, multiple submitters, no conflicts (2 of 4 stars). 2 submissions from 2 submitters: Uncertain significance (2). Last evaluated 2025-09-11.

Conditions:
NIPBL-related disorder. Also called: NIPBL-related condition.

Allele frequency attached by ClinVar (database versions not stated): gnomAD 0.00001; TOPMed below 0.00001.

Submissions (2):

PreventionGenetics, part of Exact Sciences
Classification: Uncertain significance for NIPBL-related condition. Last evaluated: 2025-09-11. Review status: criteria provided, single submitter. Criteria: ACMG Guidelines, 2015. Collection method: clinical testing. Allele origin: germline.
Comment: The NIPBL c.3659C>T variant is predicted to result in the amino acid substitution p.Ala1220Val. To our knowledge, this variant has not been reported in the literature or in a large population database (gnomAD), indicating this variant is rare. At this time, the clinical significance of this variant is uncertain due to the absence of conclusive functional and genetic evidence.

Eurofins Ntd Llc (ga)
Classification: Uncertain significance. Last evaluated: 2018-01-02. Review status: criteria provided, single submitter. Criteria: EGL Classification Definitions 2015. Collection method: clinical testing. Allele origin: germline. Observed: 1 variant allele, 1 heterozygote.